The following is an entry in ClinVar:

ClinVar aggregate classification (germline): Uncertain significance. Review status: criteria provided, multiple submitters, no conflicts (2 of 4 stars). 2 submissions from 2 submitters: Uncertain significance (2). Last evaluated 2024-12-25.

Conditions:
Inborn genetic diseases. Identifiers: MedGen C0950123, MeSH D030342.
Mosaic variegated aneuploidy syndrome 2 (MVA2). Identifiers: Orphanet 1052, MedGen C3279843, MONDO:0013582, OMIM 614114.

Allele frequency attached by ClinVar (database versions not stated): TOPMed below 0.00001; ExAC 0.00001; gnomAD exomes 0.00001.

Submissions (2):

Ambry Genetics
Classification: Uncertain significance for Inborn genetic diseases. Last evaluated: 2024-12-25. Review status: criteria provided, single submitter. Criteria: Ambry Variant Classification Scheme 2023. Collection method: clinical testing. Allele origin: germline.
Comment: The p.D78G variant (also known as c.233A>G), located in coding exon 3 of the CEP57 gene, results from an A to G substitution at nucleotide position 233. The aspartic acid at codon 78 is replaced by glycine, an amino acid with similar properties. This amino acid position is conserved. In addition, the in silico prediction for this alteration is inconclusive. Based on the available evidence, the clinical significance of this variant remains unclear.

Baylor Genetics
Classification: Uncertain significance for Mosaic variegated aneuploidy syndrome 2. Last evaluated: 2020-01-08. Review status: criteria provided, single submitter. Criteria: ACMG Guidelines, 2015. Collection method: clinical testing. Allele origin: unknown. Affected: yes. Study: CSER-TexasKidsCanSeq.
Comment: This variant was determined to be of uncertain significance according to ACMG Guidelines, 2015 [PMID:25741868].

NM_014679.5(CEP57):c.233A>G (p.Asp78Gly)

Gene: CEP57 (centrosomal protein 57; plus strand). Cytogenetic location: 11q21.
Variant type: single nucleotide variant.
Coding change: c.233A>G on transcript NM_014679.5 (MANE Select); coding-DNA position 233, A replaced by G.
Protein change: p.Asp78Gly; replaces aspartic acid 78 with glycine.
Molecular consequence: missense variant.
Genome position (GRCh38, 1-based): chr11:95,812,962, A>G. VCF-style: chr11-95812962-A-G. GRCh37 (hg19) VCF-style: chr11-95546126-A-G.
Other names: c.206A>G, p.Asp69Gly (NM_001243776.2); c.233A>G, p.Asp78Gly (NM_001243777.2); c.152A>G, p.Asp51Gly (NM_001363604.2); short protein forms D51G, D69G, D78G.
Identifiers: ClinVar variation 997616 (VCV000997616.5), dbSNP rs750728317, ClinGen allele CA6239418.